The following is an entry in ClinVar:

NM_000090.4(COL3A1):c.3133G>A (p.Ala1045Thr)

Gene: COL3A1 (collagen type III alpha 1 chain; plus strand). Cytogenetic location: 2q32.2.
Variant type: single nucleotide variant.
Coding change: c.3133G>A on transcript NM_000090.4 (MANE Select); coding-DNA position 3133, G replaced by A.
Protein change: p.Ala1045Thr; replaces alanine 1045 with threonine.
Molecular consequence: missense variant.
Genome position (GRCh38, 1-based): chr2:189,006,384, G>A. VCF-style: chr2-189006384-G-A. GRCh37 (hg19) VCF-style: chr2-189871110-G-A.
Other names: p.A1045T:GCT>ACT; short protein forms A1045T.
Identifiers: ClinVar variation 197477 (VCV000197477.44), dbSNP rs149722210, ClinGen allele CA006122.

ClinVar aggregate classification (germline): Conflicting classifications of pathogenicity. Review status: criteria provided, conflicting classifications (1 of 4 stars). 18 submissions from 18 submitters: Uncertain significance (1); Benign (6); Likely benign (8). 3 of the submissions do not count toward it. Last evaluated 2026-01-28.

Conditions:
Connective tissue disorder. Also called: Connective tissue disease. Identifiers: MedGen C0009782, MONDO:0003900.
Ehlers-Danlos syndrome (EDS). Identifiers: Orphanet 98249, MedGen C0013720, MONDO:0020066.
Ehlers-Danlos syndrome, type 4 (EDSVASC). Also called: Ehlers-Danlos syndrome vascular type; Ehlers Danlos syndrome, ecchymotic type; Ehlers Danlos syndrome, arterial type; Ehlers Danlos syndrome, Sack-Barabas type; Ehlers-Danlos Syndrome Type IV. Identifiers: Orphanet 286, MedGen C0268338, MONDO:0017314, OMIM 130050.
Familial thoracic aortic aneurysm and aortic dissection (TAAD). Also called: Thoracic aortic aneurysms and dissections. Identifiers: Orphanet 91387, MedGen C4707243, MONDO:0019625.

Allele frequency attached by ClinVar (database versions not stated): ESP Exome Variant Server 0.00015; gnomAD exomes 0.00025 and 0.00057; gnomAD 0.00027 and 0.00038; TOPMed 0.00051; ExAC 0.00059; 1000 Genomes Project 30x 0.00172; 1000 Genomes Project 0.00180.
gnomAD v4.1: 459 of 1,614,126 alleles (0.028%); highest among the groups gnomAD compares: East Asian, 0.5%; 1 homozygote.

Submissions (18):

Labcorp Genetics (formerly Invitae), Labcorp
Classification: Benign for Ehlers-Danlos syndrome, type 4. Last evaluated: 2026-01-28. Review status: criteria provided, single submitter. Criteria: Invitae Variant Classification Sherloc (09022015). Collection method: clinical testing. Allele origin: germline.

Blueprint Genetics
Classification: Likely benign. Last evaluated: 2024-10-11. Review status: criteria provided, single submitter. Criteria: ACMG Guidelines, 2015. Collection method: clinical testing. Allele origin: germline.

CHEO Genetics Diagnostic Laboratory, Children's Hospital of Eastern Ontario
Classification: Benign for Familial thoracic aortic aneurysm and aortic dissection. Last evaluated: 2021-08-11. Review status: criteria provided, single submitter. Criteria: ACMG Guidelines, 2015. Collection method: clinical testing. Allele origin: germline.

Genome Diagnostics Laboratory, The Hospital for Sick Children
Classification: Likely benign for Ehlers-Danlos syndrome. Last evaluated: 2021-02-23. Review status: criteria provided, single submitter. Criteria: ACMG Guidelines, 2015. Collection method: clinical testing. Allele origin: germline.

Johns Hopkins Genomics, Johns Hopkins University
Classification: Likely benign for Ehlers-Danlos syndrome, type 4. Last evaluated: 2020-12-07. Review status: criteria provided, single submitter. Criteria: ACMG Guidelines, 2015. Collection method: clinical testing. Allele origin: germline.

GeneDx
Classification: Likely benign. Last evaluated: 2020-11-25. Review status: criteria provided, single submitter. Criteria: GeneDx Variant Classification Process June 2021. Collection method: clinical testing. Allele origin: germline. Affected: yes.
Comment: This variant is associated with the following publications: (PMID: 22001912, 25834947, 30115950, 27888582, 32123317)

Ambry Genetics
Classification: Likely benign for Familial thoracic aortic aneurysm and aortic dissection. Last evaluated: 2019-09-13. Review status: criteria provided, single submitter. Criteria: Ambry Variant Classification Scheme 2023. Collection method: clinical testing. Allele origin: germline.

Color Diagnostics, LLC DBA Color Health
Classification: Benign for Familial thoracic aortic aneurysm and aortic dissection. Last evaluated: 2018-10-09. Review status: criteria provided, single submitter. Criteria: ACMG Guidelines, 2015. Collection method: clinical testing. Allele origin: germline.

Illumina Laboratory Services, Illumina
Classification: Benign for Ehlers-Danlos syndrome, type 4. Last evaluated: 2018-06-13. Review status: criteria provided, single submitter. Criteria: ICSL Variant Classification Criteria 13 December 2019. Collection method: clinical testing. Allele origin: germline.
Comment: This variant was observed as part of a predisposition screen in an ostensibly healthy population. A literature search was performed for the gene, cDNA change, and amino acid change (where applicable). Publications were found based on this search. The evidence from the literature, in combination with allele frequency data from public databases where available, was sufficient to rule this variant out of causing disease. Therefore, this variant is classified as benign.

Women's Health and Genetics/Laboratory Corporation of America, LabCorp
Classification: Benign. Last evaluated: 2017-06-12. Review status: criteria provided, single submitter. Criteria: LabCorp Variant Classification Summary - May 2015. Collection method: clinical testing. Allele origin: germline.
Comment: Variant summary: The COL3A1 c.3133G>A (p.Ala1045Thr) variant involves the alteration of a non-conserved nucleotide and 3/4 in silico tools (SNPsandGO not captured due to low reliability index) predict a damaging outcome. However, these predictions have yet to be functionally assessed. This variant was found in 71/121484 control chromosomes at a frequency of 0.0005844, which is approximately 468 times the estimated maximal expected allele frequency of a pathogenic COL3A1 variant (0.0000013), suggesting this variant is likely a benign polymorphism. In addition, multiple clinical diagnostic laboratories classified this variant as likely benign/benign. Taken together, this variant is classified as benign.

ARUP Laboratories, Molecular Genetics and Genomics, ARUP Laboratories
Classification: Uncertain significance. Last evaluated: 2017-01-06. Review status: criteria provided, single submitter. Criteria: ARUP Molecular Germline Variant Investigation Process. Collection method: clinical testing. Allele origin: germline.

Center for Human Genetics, Inc
Classification: Likely benign for Connective tissue disorder. Last evaluated: 2016-11-01. Review status: criteria provided, single submitter. Criteria: ACMG Guidelines, 2015. Collection method: clinical testing. Allele origin: germline. Affected: yes.

Laboratory for Molecular Medicine, Mass General Brigham Personalized Medicine
Classification: Benign. Last evaluated: 2016-04-25. Review status: criteria provided, single submitter. Criteria: LMM Criteria. Collection method: clinical testing. Allele origin: germline.
Comment: Variant identified in a genome or exome case(s) and assessed due to predicted null impact of the variant or pathogenic assertions in the literature or databases. Disclaimer: This variant has not undergone full assessment. The following are preliminary notes: ExAC: 0.5% (46/8636) East Asian; ClinVar: 1 VUS, 1 LB; Path for nonsense at same codon

CSER _CC_NCGL, University of Washington
Classification: Likely benign for Ehlers-Danlos syndrome, type 4. Last evaluated: 2015-12-01. Review status: criteria provided, single submitter. Criteria: Amendola et al. (Genome Res. 2015). Collection method: research. Allele origin: germline. Inheritance: Autosomal dominant inheritance. Study: CSER - NEXT Medicine variant annotation.
Comment: .GERP=2.280.ExAC Alt Allele Frequencies=AFR:0.0096%,NFE:0.0090%,EAS:0.533%,SAS:0.109%,FIN:0.0%,AMR:0.0%,OTH:0.0%.The variant was found in publications with the following PMIDs:22001912

Eurofins Ntd Llc (ga)
Classification: Likely benign. Last evaluated: 2015-04-24. Review status: criteria provided, single submitter. Criteria: EGL Classification Definitions 2015. Collection method: clinical testing. Allele origin: germline. Observed: 1 variant allele, 1 heterozygote.

Clinical Genetics DNA and cytogenetics Diagnostics Lab, Erasmus MC, Erasmus Medical Center
Classification: Likely benign. Review status: no assertion criteria provided. Collection method: clinical testing. Allele origin: germline. Affected: yes. Study: VKGL Data-share Consensus. Not counted in ClinVar's aggregate classification.

Genome Diagnostics Laboratory, Amsterdam University Medical Center
Classification: Benign. Review status: no assertion criteria provided. Collection method: clinical testing. Allele origin: germline. Affected: yes. Study: VKGL Data-share Consensus. Not counted in ClinVar's aggregate classification.

Genome Diagnostics Laboratory, University Medical Center Utrecht
Classification: Likely benign. Review status: no assertion criteria provided. Collection method: clinical testing. Allele origin: germline. Affected: yes. Study: VKGL Data-share Consensus. Not counted in ClinVar's aggregate classification.

Literature cited by the submitters: PubMed 22001912 (cited by 3 submitters); PubMed 25834947 (cited by 3 submitters); PubMed 27888582 (cited by Ambry Genetics); PubMed 30115950 (cited by Ambry Genetics).